The following is an entry in ClinVar:

NM_020699.4(GATAD2B):c.899C>G (p.Pro300Arg)

Gene: GATAD2B (GATA zinc finger domain containing 2B; minus strand). Cytogenetic location: 1q21.3.
Variant type: single nucleotide variant.
Coding change: c.899C>G on transcript NM_020699.4 (MANE Select); coding-DNA position 899, C replaced by G.
Protein change: p.Pro300Arg; replaces proline 300 with arginine.
Molecular consequence: missense variant.
Genome position (GRCh38, 1-based): chr1:153,817,373, G>C on the plus strand (C>G on the coding strand, the complement: GATAD2B is on the minus strand). VCF-style: chr1-153817373-G-C. GRCh37 (hg19) VCF-style: chr1-153789849-G-C.
Other names: c.899C>G (NM_020699.2); short protein forms P300R.
Identifiers: ClinVar variation 1723244 (VCV001723244.8), dbSNP rs370155105, ClinGen allele CA1120750.
Genomic context (GRCh38, chr1:153,817,373, plus strand): 5'-CAAGCAAAGCAAACAAAGGGATTTCTCTGTTTCCACATTAGGGCTCAGCTCTCTCTTACC[G>C]GTTGATAATTGATGGCGGGATTCATGTTGGGTGTTGTGGTGCGTACAAGGCCAGGCTTAG-3'
Protein context (NP_065750.1, residues 290-310): PNMNPAINYQ[Pro300Arg]QSSSSVPCQR

ClinVar aggregate classification (germline): Uncertain significance. Review status: criteria provided, multiple submitters, no conflicts (2 of 4 stars). 4 submissions from 4 submitters: Uncertain significance (4). Last evaluated 2024-02-28.

Conditions:
Inborn genetic diseases. Identifiers: MedGen C0950123, MeSH D030342.
Severe intellectual disability-poor language-strabismus-grimacing face-long fingers syndrome (GAND). Also called: GAND SYNDROME. Identifiers: Orphanet 363686, MedGen C3554448, MONDO:0014034, OMIM 615074.

gnomAD v4.1: 7 of 1,560,626 alleles (0.00045%); highest among the groups gnomAD compares: Non-Finnish European, 0.00061%; no homozygotes.

Submissions (4):

Ambry Genetics
Classification: Uncertain significance for Inborn genetic diseases. Last evaluated: 2024-02-28. Review status: criteria provided, single submitter. Criteria: Ambry Variant Classification Scheme 2023. Collection method: clinical testing. Allele origin: germline.

Labcorp Genetics (formerly Invitae), Labcorp
Classification: Uncertain significance. Last evaluated: 2023-12-07. Review status: criteria provided, single submitter. Criteria: Invitae Variant Classification Sherloc (09022015). Collection method: clinical testing. Allele origin: germline.
Comment: This sequence change replaces proline, which is neutral and non-polar, with arginine, which is basic and polar, at codon 300 of the GATAD2B protein (p.Pro300Arg). This variant is present in population databases (rs370155105, gnomAD 0.002%). This variant has not been reported in the literature in individuals affected with GATAD2B-related conditions. ClinVar contains an entry for this variant (Variation ID: 1723244). An algorithm developed to predict the effect of missense changes on protein structure and function (PolyPhen-2) suggests that this variant is likely to be tolerated. In summary, the available evidence is currently insufficient to determine the role of this variant in disease. Therefore, it has been classified as a Variant of Uncertain Significance.

Genome-Nilou Lab
Classification: Uncertain significance for Severe intellectual disability-poor language-strabismus-grimacing face-long fingers syndrome. Last evaluated: 2023-04-11. Review status: criteria provided, single submitter. Criteria: ACMG Guidelines, 2015. Collection method: clinical testing. Allele origin: germline. Affected: no.

Women's Health and Genetics/Laboratory Corporation of America, LabCorp
Classification: Uncertain significance. Last evaluated: 2022-10-05. Review status: criteria provided, single submitter. Criteria: LabCorp Variant Classification Summary - May 2015. Collection method: clinical testing. Allele origin: germline.
Comment: Variant summary: GATAD2B c.899C>G (p.Pro300Arg) results in a non-conservative amino acid change in the encoded protein sequence. Three of five in-silico tools predict a benign effect of the variant on protein function. 4/4 computational tools predict no significant impact on normal splicing, however, these predictions have yet to be confirmed by functional studies. The variant allele was found at a frequency of 9.6e-06 in 209340 control chromosomes (gnomAD). The available data on variant occurrences in the general population are insufficient to allow any conclusion about variant significance. To our knowledge, no occurrence of c.899C>G in individuals affected with Severe Intellectual Disability-Poor Language-Strabismus Face-Long Fingers Syndrome and no experimental evidence demonstrating its impact on protein function have been reported. No clinical diagnostic laboratories have submitted clinical-significance assessments for this variant to ClinVar after 2014. Based on the evidence outlined above, the variant was classified as uncertain significance.